The following is an entry in ClinVar:

NM_006662.3(SRCAP):c.492+11C>A

Gene: SRCAP (Snf2 related CREBBP activator protein; plus strand). Cytogenetic location: 16p11.2.
Variant type: single nucleotide variant.
Coding change: c.492+11C>A on transcript NM_006662.3 (MANE Select); 11 bases into the intron after coding-DNA position 492, C replaced by A.
Molecular consequence: intron variant.
Genome position (GRCh38, 1-based): chr16:30,707,379, C>A. VCF-style: chr16-30707379-C-A. GRCh37 (hg19) VCF-style: chr16-30718700-C-A.
Identifiers: ClinVar variation 2627252 (VCV002627252.1), dbSNP rs192794742, ClinGen allele CA622170040.
Genomic context (GRCh38, chr16:30,707,379, plus strand): 5'-CTGCTGACTTTGCTCAGGAGCGCCGTTGGAAACGGGGTGTGGCCCGGAAGGTAGGTCTTC[C>A]GCTGGGACTTCCTTCCTTTTCCTTTTCAGGTCTGTTCCTTCCCGGTTTGTTGGAAGGGGA-3'

ClinVar aggregate classification (germline): Likely benign (1 of 4 stars; one submission).

gnomAD v4.1: 4 of 1,612,362 alleles (0.00025%); highest among the groups gnomAD compares: East Asian, 0.0045%; no homozygotes.

Submission:

Women's Health and Genetics/Laboratory Corporation of America, LabCorp
Classification: Likely benign. Last evaluated: 2023-09-15. Review status: criteria provided, single submitter. Criteria: LabCorp Variant Classification Summary - May 2015. Collection method: clinical testing. Allele origin: germline.
Comment: Variant summary: SRCAP c.492+11C>A alters a non-conserved nucleotide located at a position not widely known to affect splicing. Consensus agreement among computational tools predict no significant impact on normal splicing. However, these predictions have yet to be confirmed by functional studies. The variant allele was found at a frequency of 6.6e-06 in 150958 control chromosomes (gnomAD v3.1.2). The available data on variant occurrences in the general population are insufficient to allow any conclusion about variant significance. To our knowledge, no occurrence of c.492+11C>A in individuals affected with Floating-Harbor Syndrome and no experimental evidence demonstrating its impact on protein function have been reported. No submitters have cited clinical-significance assessments for this variant to ClinVar after 2014. Based on the evidence outlined above, the variant was classified as likely benign.